The following is an entry in ClinVar:

ClinVar aggregate classification (germline): Conflicting classifications of pathogenicity. Review status: criteria provided, conflicting classifications (1 of 4 stars). 4 submissions from 4 submitters: Uncertain significance (2); Likely benign (1). 1 of the submissions does not count toward it. Last evaluated 2023-10-27.

Conditions:
Hereditary cancer-predisposing syndrome. Also called: Neoplastic Syndromes, Hereditary; Tumor predisposition; Hereditary Cancer Syndrome; Hereditary neoplastic syndrome. Identifiers: Orphanet 140162, MedGen C0027672, MeSH D009386, MONDO:0015356.
Breast-ovarian cancer, familial, susceptibility to, 2 (BROVCA2). Also called: BRCA2 Hereditary Breast and Ovarian Cancer. Identifiers: Orphanet 145, MedGen C2675520, MONDO:0012933, OMIM 612555. Disease mechanism: loss of function.

Allele frequency attached by ClinVar (database versions not stated): gnomAD exomes below 0.00001.
gnomAD v4.1: 2 of 1,613,142 alleles (0.00012%); highest among the groups gnomAD compares: Non-Finnish European, 0.00017%; no homozygotes.

Submissions (4):

All of Us Research Program, National Institutes of Health
Classification: Uncertain significance for Breast-ovarian cancer, familial, susceptibility to, 2. Last evaluated: 2023-10-27. Review status: criteria provided, single submitter. Criteria: ACMG Guidelines, 2015. Collection method: clinical testing. Allele origin: germline. Inheritance: Autosomal dominant inheritance. Observed: 2 variant alleles, 2 heterozygotes.
Comment: This missense variant replaces lysine with asparagine at codon 1025 of the BRCA2 protein. Computational prediction suggests that this variant may not impact protein structure and function (internally defined REVEL score threshold <= 0.5, PMID: 27666373). To our knowledge, functional studies have not been reported for this variant. This variant has been reported in 1 individual affected with breast or ovarian cancer; this individual carried a second BRCA2 variant known to be pathogenic that could explain the observed phenotype (PMID: 16168118). This variant has not been identified in the general population by the Genome Aggregation Database (gnomAD). The available evidence is insufficient to determine the role of this variant in disease conclusively. Therefore, this variant is classified as a Variant of Uncertain Significance.

This study involves interpretation of variants in research participants for the purpose of population health screening. Participant phenotype was not available at the time of variant classification. Additional details can be found in publication PMID: 35346344, PMCID: PMC8962531

University of Washington Department of Laboratory Medicine, University of Washington
Classification: Likely benign for Hereditary cancer-predisposing syndrome. Last evaluated: 2023-03-23. Review status: criteria provided, single submitter. Criteria: Dines et al. (Genet Med. 2020). Collection method: curation. Allele origin: germline.
Comment: Missense variant in a coldspot region where missense variants are very unlikely to be pathogenic (PMID:31911673).

BRCA2 exon 11 coldspot. Reclassification based on statistical prior probability.

Ambry Genetics
Classification: Uncertain significance for Hereditary cancer-predisposing syndrome. Last evaluated: 2018-10-31. Review status: criteria provided, single submitter. Criteria: Ambry Variant Classification Scheme 2023. Collection method: clinical testing. Allele origin: germline.
Comment: The p.K1025N variant (also known as c.3075G>T), located in coding exon 10 of the BRCA2 gene, results from a G to T substitution at nucleotide position 3075. The lysine at codon 1025 is replaced by asparagine, an amino acid with similar properties. This amino acid position is not well conserved in available vertebrate species. In addition, this alteration is predicted to be tolerated by in silico analysis. Since supporting evidence is limited at this time, the clinical significance of this alteration remains unclear.

Breast Cancer Information Core (BIC) (BRCA2)
Classification: Uncertain significance for Breast-ovarian cancer, familial 2. Last evaluated: 2002-05-29. Review status: no assertion criteria provided. Collection method: clinical testing. Allele origin: germline. Affected: yes. Observed: 3 variant alleles. Not counted in ClinVar's aggregate classification.

Literature cited by the submitters: PubMed 16168118 (cited by All of Us Research Program, National Institutes of Health); PubMed 21203900 (cited by Ambry Genetics).

NM_000059.4(BRCA2):c.3075G>T (p.Lys1025Asn)

Gene: BRCA2 (BRCA2 DNA repair associated; plus strand). Cytogenetic location: 13q13.1.
Variant type: single nucleotide variant.
Coding change: c.3075G>T on transcript NM_000059.4 (MANE Select); coding-DNA position 3075, G replaced by T.
Protein change: p.Lys1025Asn; replaces lysine 1025 with asparagine.
Molecular consequence: missense variant.
Genome position (GRCh38, 1-based): chr13:32,337,430, G>T. VCF-style: chr13-32337430-G-T. GRCh37 (hg19) VCF-style: chr13-32911567-G-T.
Other names: short protein forms K1025N.
Identifiers: ClinVar variation 51394 (VCV000051394.9), dbSNP rs80358551, ClinGen allele CA017186.